The following is an entry in ClinVar:

NM_021098.3(CACNA1H):c.3314G>C (p.Arg1105Pro)

Gene: CACNA1H (calcium voltage-gated channel subunit alpha1 H; plus strand). Cytogenetic location: 16p13.3.
Variant type: single nucleotide variant.
Coding change: c.3314G>C on transcript NM_021098.3 (MANE Select); coding-DNA position 3314, G replaced by C.
Protein change: p.Arg1105Pro; replaces arginine 1105 with proline.
Molecular consequence: missense variant.
Genome position (GRCh38, 1-based): chr16:1,208,172, G>C. VCF-style: chr16-1208172-G-C. GRCh37 (hg19) VCF-style: chr16-1258172-G-C.
Other names: c.3314G>C, p.Arg1105Pro (NM_001005407.2); short protein forms R1105P.
Identifiers: ClinVar variation 4791842 (VCV004791842.1).
Genomic context (GRCh38, chr16:1,208,172, plus strand): 5'-TGCCTACCCCCAAGAGCTCACCATTCCTGGATGCAGCCCCCAGCCTCCCAGACTCTCGGC[G>C]TGGCAGCAGCAGCTCCGGGGACCCGCCACTGGGAGACCAGAAGCCTCCGGTAGGGACCAT-3'
Protein context (NP_066921.2, residues 1095-1115): DAAPSLPDSR[Arg1105Pro]GSSSSGDPPL

ClinVar aggregate classification (germline): Uncertain significance (1 of 4 stars; one submission).

Conditions:
Hyperaldosteronism, familial, type IV (HALD4). Also called: FH IV; ALDOSTERONISM, PRIMARY, AND HYPERTENSION. Identifiers: Orphanet 642671, MedGen C4310756, MONDO:0014875, OMIM 617027.
Idiopathic generalized epilepsy. Also called: EIG; Generalised epilepsy. Identifiers: MedGen C0270850, MONDO:0005579, OMIM 600669.

Submission:

Labcorp Genetics (formerly Invitae), Labcorp
Classification: Uncertain significance for Idiopathic generalized epilepsy; Hyperaldosteronism, familial, type IV. Last evaluated: 2025-12-23. Review status: criteria provided, single submitter. Criteria: Invitae Variant Classification Sherloc (09022015). Collection method: clinical testing. Allele origin: germline.
Comment: This sequence change replaces arginine, which is basic and polar, with proline, which is neutral and non-polar, at codon 1105 of the CACNA1H protein (p.Arg1105Pro). This variant is not present in population databases (gnomAD no frequency). This variant has not been reported in the literature in individuals affected with CACNA1H-related conditions. Invitae Evidence Modeling of protein sequence and biophysical properties (such as structural, functional, and spatial information, amino acid conservation, physicochemical variation, residue mobility, and thermodynamic stability) indicates that this missense variant is not expected to disrupt CACNA1H protein function with a negative predictive value of 80%. In summary, the available evidence is currently insufficient to determine the role of this variant in disease. Therefore, it has been classified as a Variant of Uncertain Significance.